The following is an entry in ClinVar:

ClinVar aggregate classification (germline): Pathogenic (1 of 4 stars; one submission).

Submission:

Labcorp Genetics (formerly Invitae), Labcorp
Classification: Pathogenic. Last evaluated: 2023-12-03. Review status: criteria provided, single submitter. Criteria: Invitae Variant Classification Sherloc (09022015). Collection method: clinical testing. Allele origin: germline.
Comment: This sequence change creates a premature translational stop signal (p.Gln321*) in the TBCE gene. It is expected to result in an absent or disrupted protein product. Loss-of-function variants in TBCE are known to be pathogenic (PMID: 27666369, 34134906, 34356170). This variant is not present in population databases (gnomAD no frequency). This variant has not been reported in the literature in individuals affected with TBCE-related conditions. Algorithms developed to predict the effect of sequence changes on RNA splicing suggest that this variant may disrupt the consensus splice site. For these reasons, this variant has been classified as Pathogenic.

Literature cited by the submitters: PubMed 27666369; PubMed 34134906; PubMed 34356170.

NM_003193.5(TBCE):c.961C>T (p.Gln321Ter)

Gene: TBCE (tubulin folding cofactor E; plus strand). Cytogenetic location: 1q42.3.
Variant type: single nucleotide variant.
Coding change: c.961C>T on transcript NM_003193.5 (MANE Select); coding-DNA position 961, C replaced by T.
Protein change: p.Gln321Ter; replaces glutamine 321 with a stop codon.
Molecular consequence: nonsense.
Genome position (GRCh38, 1-based): chr1:235,436,606, C>T. VCF-style: chr1-235436606-C-T. GRCh37 (hg19) VCF-style: chr1-235599921-C-T.
Other names: c.961C>T, p.Gln321Ter (NM_001079515.3); c.1114C>T, p.Gln372Ter (NM_001287801.2); c.622C>T, p.Gln208Ter (NM_001287802.2); short protein forms Q208*, Q321*, Q372*.
Identifiers: ClinVar variation 2700658 (VCV002700658.3), dbSNP rs2527039167, ClinGen allele CA344940994.